The following is an entry in ClinVar:

ClinVar aggregate classification (germline): Uncertain significance (1 of 4 stars; one submission).

Conditions:
NHLRC2-related disorder. Also called: NHLRC2-related condition.

gnomAD v4.1: 1 of 1,554,906 alleles (0.000064%); highest among the groups gnomAD compares: Non-Finnish European, 0.000087%; no homozygotes.

Submission:

PreventionGenetics, part of Exact Sciences
Classification: Uncertain significance for NHLRC2-related condition. Last evaluated: 2025-01-23. Review status: criteria provided, single submitter. Criteria: ACMG Guidelines, 2015. Collection method: clinical testing. Allele origin: germline.
Comment: The NHLRC2 c.64G>A variant is predicted to result in the amino acid substitution p.Glu22Lys. To our knowledge, this variant has not been reported in the literature or in a large population database (gnomAD), indicating this variant is rare. Although we suspect that this variant may be pathogenic, at this time, the clinical significance of this variant is uncertain due to the absence of conclusive functional and genetic evidence.

NM_198514.4(NHLRC2):c.64G>A (p.Glu22Lys)

Genes: NHLRC2 (NHL repeat containing 2; plus strand), LOC130004775 (ATAC-STARR-seq lymphoblastoid silent region 2838; plus strand). Cytogenetic location: 10q25.3.
Variant type: single nucleotide variant.
Coding change: c.64G>A on transcript NM_198514.4 (MANE Select); coding-DNA position 64, G replaced by A.
Protein change: p.Glu22Lys; replaces glutamic acid 22 with lysine.
Molecular consequence: missense variant.
Genome position (GRCh38, 1-based): chr10:113,854,936, G>A. VCF-style: chr10-113854936-G-A. GRCh37 (hg19) VCF-style: chr10-115614695-G-A.
Other names: short protein forms E22K.
Identifiers: ClinVar variation 4999042 (VCV004999042.1).